The following is an entry in ClinVar:

ClinVar aggregate classification (germline): Conflicting classifications of pathogenicity. Review status: criteria provided, conflicting classifications (1 of 4 stars). 3 submissions from 3 submitters: Uncertain significance (2); Likely benign (1). Last evaluated 2024-12-02.

Conditions:
Hereditary cancer-predisposing syndrome. Also called: Tumor predisposition; Neoplastic Syndromes, Hereditary; Hereditary Cancer Syndrome; Hereditary neoplastic syndrome. Identifiers: Orphanet 140162, MedGen C0027672, MeSH D009386, MONDO:0015356.
Hereditary breast ovarian cancer syndrome. Also called: Hereditary breast and ovarian cancer syndrome; Hereditary breast and ovarian cancer; Hereditary breast and ovarian cancer syndrome (HBOC); Hereditary breast and/or ovarian cancer syndrome; Breast and ovarian cancer; BRCA1- and BRCA2-Associated Hereditary Breast and Ovarian Cancer. Identifiers: Orphanet 145, MedGen C0677776, MeSH D061325, MONDO:0003582. Disease mechanism: loss of function.

Submissions (3):

Labcorp Genetics (formerly Invitae), Labcorp
Classification: Uncertain significance for Hereditary breast ovarian cancer syndrome. Last evaluated: 2024-12-02. Review status: criteria provided, single submitter. Criteria: Invitae Variant Classification Sherloc (09022015). Collection method: clinical testing. Allele origin: germline.
Comment: This sequence change replaces glycine, which is neutral and non-polar, with serine, which is neutral and polar, at codon 1073 of the BRCA1 protein (p.Gly1073Ser). This variant is not present in population databases (gnomAD no frequency). This missense change has been observed in individual(s) with breast and/or ovarian cancer (PMID: 30287823). ClinVar contains an entry for this variant (Variation ID: 240789). Invitae Evidence Modeling of protein sequence and biophysical properties (such as structural, functional, and spatial information, amino acid conservation, physicochemical variation, residue mobility, and thermodynamic stability) indicates that this missense variant is not expected to disrupt BRCA1 protein function with a negative predictive value of 80%. In summary, the available evidence is currently insufficient to determine the role of this variant in disease. Therefore, it has been classified as a Variant of Uncertain Significance.

Color Diagnostics, LLC DBA Color Health
Classification: Uncertain significance for Hereditary cancer-predisposing syndrome. Last evaluated: 2024-11-25. Review status: criteria provided, single submitter. Criteria: ACMG Guidelines, 2015. Collection method: clinical testing. Allele origin: germline.
Comment: This missense variant replaces glycine with serine at codon 1073 of the BRCA1 protein. Computational prediction is inconclusive regarding the impact of this variant on protein structure and function. To our knowledge, functional studies have not been reported for this variant. This variant has not been reported in individuals affected with BRCA1-related disorders in the literature. This variant has not been identified in the general population by the Genome Aggregation Database (gnomAD). The available evidence is insufficient to determine the role of this variant in disease conclusively. Therefore, this variant is classified as a Variant of Uncertain Significance.

University of Washington Department of Laboratory Medicine, University of Washington
Classification: Likely benign for Hereditary cancer-predisposing syndrome. Last evaluated: 2023-03-23. Review status: criteria provided, single submitter. Criteria: Dines et al. (Genet Med. 2020). Collection method: curation. Allele origin: germline.
Comment: Missense variant in a coldspot region where missense variants are very unlikely to be pathogenic (PMID:31911673).

BRCA1 coldspot (exon 11 using historical exon numbering). Reclassification based on statistical prior probability

Literature cited by the submitters: PubMed 30287823 (cited by Labcorp Genetics (formerly Invitae), Labcorp).

NM_007294.4(BRCA1):c.3217G>A (p.Gly1073Ser)

Genes: BRCA1 (BRCA1 DNA repair associated; minus strand), LOC126862571 (BRD4-independent group 4 enhancer GRCh37_chr17:41243136-41244335; plus strand). Cytogenetic location: 17q21.31.
Variant type: single nucleotide variant.
Coding change: c.3217G>A on transcript NM_007294.4 (MANE Select); coding-DNA position 3217, G replaced by A.
Protein change: p.Gly1073Ser; replaces glycine 1073 with serine.
Molecular consequence: missense variant. On other transcripts: intron variant (137).
Genome position (GRCh38, 1-based): chr17:43,092,314, C>T on the plus strand (G>A on the coding strand, the complement: BRCA1 is on the minus strand). VCF-style: chr17-43092314-C-T. GRCh37 (hg19) VCF-style: chr17-41244331-C-T.
Other names: c.2884G>A, p.Gly962Ser (NM_001407953.1, NM_001407957.1, NM_001407946.1 and 6 more transcripts); c.3217G>A, p.Gly1073Ser (NM_001407622.1, NM_001407623.1, NM_001407621.1 and 30 more transcripts); c.2881G>A, p.Gly961Ser (NM_001407954.1, NM_001407956.1, NM_001407958.1 and 1 more transcripts); c.2836G>A, p.Gly946Ser (NM_001407959.1, NM_001407960.1, NM_001407963.1); c.3214G>A, p.Gly1072Ser (NM_001407629.1, NM_001407630.1, NM_001407632.1 and 22 more transcripts); c.3208G>A, p.Gly1070Ser (NM_001407646.1, NM_001407647.1); c.3094G>A, p.Gly1032Ser (NM_001407648.1, NM_001407664.1, NM_001407665.1 and 19 more transcripts); c.3091G>A, p.Gly1031Ser (NM_001407649.1, NM_001407670.1, NM_001407671.1 and 11 more transcripts); and 41 more; short protein forms G1073S, G1026S, G1032S, G1070S, G1072S, G777S, G945S, G1006S.
Identifiers: ClinVar variation 240789 (VCV000240789.13), dbSNP rs878854945, ClinGen allele CA10583567.